The following is an entry in ClinVar:

ClinVar aggregate classification (germline): Pathogenic/Likely pathogenic. Review status: criteria provided, multiple submitters, no conflicts (2 of 4 stars). 4 submissions from 4 submitters: Pathogenic (3); Likely pathogenic (1). Last evaluated 2022-07-04.

Conditions:
NSD1-related disorder. Also called: NSD1-related condition.
Sotos syndrome (SOTOS). Also called: Distinctive facial appearance, overgrowth in childhood, and learning disabilities or delayed development; CEREBRAL GIGANTISM; Sotos' syndrome; CHROMOSOME 5q35 DELETION SYNDROME; SOTOS SYNDROME 1. Identifiers: Orphanet 821, MedGen C0175695, MONDO:0019349, OMIM 117550.

Submissions (4):

Blueprint Genetics
Classification: Likely pathogenic for NSD1-related disorders. Last evaluated: 2022-07-04. Review status: criteria provided, single submitter. Criteria: ACMG Guidelines, 2015. Collection method: clinical testing. Allele origin: germline. Affected: yes. Observed: 2 variant alleles.

Genome-Nilou Lab
Classification: Pathogenic for Sotos syndrome. Last evaluated: 2021-07-15. Review status: criteria provided, single submitter. Criteria: ACMG Guidelines, 2015. Collection method: clinical testing. Allele origin: germline. Affected: no.

GeneDx
Classification: Pathogenic. Last evaluated: 2020-02-06. Review status: criteria provided, single submitter. Criteria: GeneDx Variant Classification Process June 2021. Collection method: clinical testing. Allele origin: germline. Affected: yes.
Comment: In silico analysis, which includes protein predictors and evolutionary conservation, supports a deleterious effect; Not observed in large population cohorts (Lek et al., 2016); This variant is associated with the following publications: (PMID: 27834868, 16247291)

Genetic Services Laboratory, University of Chicago
Classification: Pathogenic for Sotos syndrome 1. Last evaluated: 2013-02-08. Review status: criteria provided, single submitter. Criteria: ACMG Guidelines, 2007. Collection method: clinical testing. Allele origin: germline. Inheritance: Autosomal dominant inheritance. Affected: yes.

NM_022455.5(NSD1):c.6059A>G (p.Asn2020Ser)

Gene: NSD1 (nuclear receptor binding SET domain protein 1; plus strand). Cytogenetic location: 5q35.3.
Variant type: single nucleotide variant.
Coding change: c.6059A>G on transcript NM_022455.5 (MANE Select); coding-DNA position 6059, A replaced by G.
Protein change: p.Asn2020Ser; replaces asparagine 2020 with serine.
Molecular consequence: missense variant.
Genome position (GRCh38, 1-based): chr5:177,283,836, A>G. VCF-style: chr5-177283836-A-G. GRCh37 (hg19) VCF-style: chr5-176710837-A-G.
Other names: c.5186A>G, p.Asn1729Ser (NM_001365684.2, NM_001409308.1, NM_172349.5); c.6059A>G, p.Asn2020Ser (NM_001409301.1, NM_001409302.1, NM_001409303.1); c.5639A>G, p.Asn1880Ser (NM_001409304.1); c.5306A>G, p.Asn1769Ser (NM_001409305.1); c.5297A>G, p.Asn1766Ser (NM_001409306.1, NM_001409307.1); short protein forms N2020S, N1751S, N1880S, N1729S, N1766S, N1769S.
Identifiers: ClinVar variation 159399 (VCV000159399.11), dbSNP rs587784178, ClinGen allele CA295033.
Genomic context (GRCh38, chr5:177,283,836, plus strand): 5'-TGGAATTCTAGGACCGAATCATTGATGCTGGTCCCAAAGGAAACTATGCTCGGTTCATGA[A>G]TCATTGCTGCCAGCCCAACTGTGAAACACAGAAGTGGTCTGTGAATGGAGATACCCGTGT-3'
Protein context (NP_071900.2, residues 2010-2030): GPKGNYARFM[Asn2020Ser]HCCQPNCETQ